The following is an entry in ClinVar:

NM_001039141.3(TRIOBP):c.4538C>T (p.Thr1513Met)

Gene: TRIOBP (TRIO and F-actin binding protein; plus strand). Cytogenetic location: 22q13.1.
Variant type: single nucleotide variant.
Coding change: c.4538C>T on transcript NM_001039141.3 (MANE Select); coding-DNA position 4538, C replaced by T.
Protein change: p.Thr1513Met; replaces threonine 1513 with methionine.
Molecular consequence: missense variant.
Genome position (GRCh38, 1-based): chr22:37,734,874, C>T. VCF-style: chr22-37734874-C-T. GRCh37 (hg19) VCF-style: chr22-38130881-C-T.
Other names: short protein forms T1513M.
Identifiers: ClinVar variation 2437315 (VCV002437315.4), dbSNP rs748502827, ClinGen allele CA10224402.

ClinVar aggregate classification (germline): Uncertain significance. Review status: criteria provided, multiple submitters, no conflicts (2 of 4 stars). 2 submissions from 2 submitters: Uncertain significance (2). Last evaluated 2024-08-06.

Conditions:
Autosomal recessive nonsyndromic hearing loss 28. Identifiers: Orphanet 90636, MedGen C1853276, MONDO:0012355, OMIM 609823.

Allele frequency attached by ClinVar (database versions not stated): ExAC 0.00001; gnomAD exomes 0.00001; gnomAD 0.00002; TOPMed 0.00002.
gnomAD v4.1: 16 of 1,612,956 alleles (0.00099%); highest among the groups gnomAD compares: Admixed American, 0.005%; no homozygotes.

Submissions (2):

GeneDx
Classification: Uncertain significance. Last evaluated: 2024-08-06. Review status: criteria provided, single submitter. Criteria: GeneDx Variant Classification Process June 2021. Collection method: clinical testing. Allele origin: germline. Affected: yes.
Comment: Not observed at significant frequency in large population cohorts (gnomAD); In silico analysis indicates that this missense variant does not alter protein structure/function; Has not been previously published as pathogenic or benign to our knowledge

Revvity Omics, Revvity
Classification: Uncertain significance for Autosomal recessive nonsyndromic hearing loss 28. Last evaluated: 2021-01-21. Review status: criteria provided, single submitter. Criteria: ACMG Guidelines, 2015. Collection method: clinical testing. Allele origin: germline.